The following is an entry in ClinVar:

NM_005592.4(MUSK):c.361C>A (p.Pro121Thr)

Gene: MUSK (muscle associated receptor tyrosine kinase; plus strand). Cytogenetic location: 9q31.3.
Variant type: single nucleotide variant.
Coding change: c.361C>A on transcript NM_005592.4 (MANE Select); coding-DNA position 361, C replaced by A.
Protein change: p.Pro121Thr; replaces proline 121 with threonine.
Molecular consequence: missense variant.
Genome position (GRCh38, 1-based): chr9:110,695,405, C>A. VCF-style: chr9-110695405-C-A. GRCh37 (hg19) VCF-style: chr9-113457685-C-A.
Other names: c.361C>A, p.Pro121Thr (NM_001166280.2, NM_001166281.2); c.361C>A (NM_005592.3); short protein forms P121T.
Identifiers: ClinVar variation 1475526 (VCV001475526.9), dbSNP rs760483928, ClinGen allele CA374664717.
Genomic context (GRCh38, chr9:110,695,405, plus strand): 5'-CTCTAGGTTTAATAAAGCCATATTGCCTTATTTATTTTGAATTTTCATTTCTTTTTAGAA[C>A]CTAAAATAACTCGTCCTCCCATAAATGTGAAAATAATAGAGGGATTAAAAGCAGTCCTAC-3'
Protein context (NP_005583.1, residues 111-131): SCGALQVKMK[Pro121Thr]KITRPPINVK

ClinVar aggregate classification (germline): Uncertain significance. Review status: criteria provided, multiple submitters, no conflicts (2 of 4 stars). 2 submissions from 2 submitters: Uncertain significance (2). Last evaluated 2024-05-12.

Conditions:
Inborn genetic diseases. Identifiers: MedGen C0950123, MeSH D030342.
Fetal akinesia deformation sequence 1 (FADS1). Also called: Pena-Shokeir syndrome type I; Fetal akinesia sequence. Identifiers: Orphanet 994, MedGen C1276035, MONDO:0100101, OMIM 208150, HP:0001989.
Congenital myasthenic syndrome 9. Also called: Myasthenic syndrome, congenital, 9, associated with acetylcholine receptor deficiency. Identifiers: Orphanet 590, MedGen C4225368, MONDO:0014587, OMIM 616325.

Submissions (2):

Ambry Genetics
Classification: Uncertain significance for Inborn genetic diseases. Last evaluated: 2024-05-12. Review status: criteria provided, single submitter. Criteria: Ambry Variant Classification Scheme 2023. Collection method: clinical testing. Allele origin: germline.

Labcorp Genetics (formerly Invitae), Labcorp
Classification: Uncertain significance for Congenital myasthenic syndrome 9; Fetal akinesia deformation sequence 1. Last evaluated: 2022-06-27. Review status: criteria provided, single submitter. Criteria: Invitae Variant Classification Sherloc (09022015). Collection method: clinical testing. Allele origin: germline.
Comment: This variant is not present in population databases (gnomAD no frequency). In summary, the available evidence is currently insufficient to determine the role of this variant in disease. Therefore, it has been classified as a Variant of Uncertain Significance. Algorithms developed to predict the effect of missense changes on protein structure and function (SIFT, PolyPhen-2, Align-GVGD) all suggest that this variant is likely to be disruptive. This variant has not been reported in the literature in individuals affected with MUSK-related conditions. This sequence change replaces proline, which is neutral and non-polar, with threonine, which is neutral and polar, at codon 121 of the MUSK protein (p.Pro121Thr).